The following is an entry in ClinVar:

ClinVar aggregate classification (germline): Likely pathogenic (1 of 4 stars; one submission).

Conditions:
Galactosylceramide beta-galactosidase deficiency. Also called: GALACTOCEREBROSIDASE DEFICIENCY; GALC DEFICIENCY; GLOBOID CELL LEUKOENCEPHALOPATHY; Leukodystrophy, Globoid Cell; Krabbe Disease. Identifiers: Orphanet 487, MedGen C0023521, MONDO:0009499, OMIM 245200.

Submission:

Myriad Genetics, Inc.
Classification: Likely pathogenic for Galactosylceramide beta-galactosidase deficiency. Last evaluated: 2022-05-30. Review status: criteria provided, single submitter. Criteria: Myriad Women's Health Autosomal Recessive and X-Linked Classification Criteria (2021). Collection method: clinical testing. Allele origin: unknown.
Comment: NM_000153.3(GALC):c.1240A>T(K414*) is expected to be pathogenic in the context of Krabbe disease. This variant is predicted to lead to an abnormal or absent protein product due to the creation of a premature termination codon in GALC, a gene where loss-of-function variants are known to be pathogenic. Please note: this variant was assessed in the context of healthy population screening.

NM_000153.4(GALC):c.1240A>T (p.Lys414Ter)

Gene: GALC (galactosylceramidase; minus strand). Cytogenetic location: 14q31.3.
Variant type: single nucleotide variant.
Coding change: c.1240A>T on transcript NM_000153.4 (MANE Select); coding-DNA position 1240, A replaced by T.
Protein change: p.Lys414Ter; replaces lysine 414 with a stop codon.
Molecular consequence: nonsense.
Genome position (GRCh38, 1-based): chr14:87,950,670, T>A on the plus strand (A>T on the coding strand, the complement: GALC is on the minus strand). VCF-style: chr14-87950670-T-A. GRCh37 (hg19) VCF-style: chr14-88417014-T-A.
Other names: c.1171A>T, p.Lys391Ter (NM_001201401.2); c.1162A>T, p.Lys388Ter (NM_001201402.2); short protein forms K388*, K391*, K414*.
Identifiers: ClinVar variation 1726244 (VCV001726244.2), dbSNP rs1885265714, ClinGen allele CA390746927.